The following is an entry in ClinVar:

ClinVar aggregate classification (germline): Benign/Likely benign. Review status: criteria provided, multiple submitters, no conflicts (2 of 4 stars). 2 submissions from 2 submitters: Benign (1); Likely benign (1). Last evaluated 2025-04-14.

Allele frequency attached by ClinVar (database versions not stated): TOPMed below 0.00001; gnomAD 0.00001; gnomAD exomes 0.00001 and 0.00003; ExAC 0.00002.
gnomAD v4.1: 16 of 1,209,540 alleles (0.0013%); highest among the groups gnomAD compares: East Asian, 0.003%; no homozygotes.

Submissions (2):

Labcorp Genetics (formerly Invitae), Labcorp
Classification: Benign. Last evaluated: 2025-04-14. Review status: criteria provided, single submitter. Criteria: Invitae Variant Classification Sherloc (09022015). Collection method: clinical testing. Allele origin: germline.

CeGaT Center for Human Genetics Tuebingen
Classification: Likely benign. Last evaluated: 2023-07-01. Review status: criteria provided, single submitter. Criteria: CeGaT Center For Human Genetics Tuebingen Variant Classification Criteria Version 2. Collection method: clinical testing. Allele origin: germline. Affected: yes. Observed: 1 variant allele.
Comment: NEXMIF: BP4, BP7, BS2

NM_001008537.3(NEXMIF):c.690G>A (p.Pro230=)

Gene: NEXMIF (neurite extension and migration factor; minus strand). Cytogenetic location: Xq13.3.
Variant type: single nucleotide variant.
Coding change: c.690G>A on transcript NM_001008537.3 (MANE Select); coding-DNA position 690, G replaced by A.
Protein change: p.Pro230=; no amino-acid change (proline 230 retained).
Molecular consequence: synonymous variant.
Genome position (GRCh38, 1-based): chrX:74,743,867, C>T on the plus strand (G>A on the coding strand, the complement: NEXMIF is on the minus strand). VCF-style: chrX-74743867-C-T. GRCh37 (hg19) VCF-style: chrX-73963702-C-T.
Identifiers: ClinVar variation 1167341 (VCV001167341.33), dbSNP rs776754896, ClinGen allele CA10455187.